The following is an entry in ClinVar:

NM_000064.4(C3):c.594C>T (p.Leu198=)

Gene: C3 (complement C3; minus strand). Cytogenetic location: 19p13.3.
Variant type: single nucleotide variant.
Coding change: c.594C>T on transcript NM_000064.4 (MANE Select); coding-DNA position 594, C replaced by T.
Protein change: p.Leu198=; no amino-acid change (leucine 198 retained).
Molecular consequence: synonymous variant.
Genome position (GRCh38, 1-based): chr19:6,714,357, G>A on the plus strand (C>T on the coding strand, the complement: C3 is on the minus strand). VCF-style: chr19-6714357-G-A. GRCh37 (hg19) VCF-style: chr19-6714368-G-A.
Identifiers: ClinVar variation 2800185 (VCV002800185.3), dbSNP rs763650811, ClinGen allele CA9129773.

ClinVar aggregate classification (germline): Uncertain significance (1 of 4 stars; one submission).

Allele frequency attached by ClinVar (database versions not stated): gnomAD 0.00001; TOPMed 0.00001; ExAC 0.00002.
gnomAD v4.1: 10 of 1,613,400 alleles (0.00062%); highest among the groups gnomAD compares: Non-Finnish European, 0.00085%; no homozygotes.

Submission:

Labcorp Genetics (formerly Invitae), Labcorp
Classification: Uncertain significance. Last evaluated: 2022-12-24. Review status: criteria provided, single submitter. Criteria: Invitae Variant Classification Sherloc (09022015). Collection method: clinical testing. Allele origin: germline.
Comment: This sequence change affects codon 198 of the C3 mRNA. It is a 'silent' change, meaning that it does not change the encoded amino acid sequence of the C3 protein. This variant is present in population databases (rs763650811, gnomAD 0.006%). This variant has not been reported in the literature in individuals affected with C3-related conditions. Algorithms developed to predict the effect of sequence changes on RNA splicing suggest that this variant may disrupt the consensus splice site. In summary, the available evidence is currently insufficient to determine the role of this variant in disease. Therefore, it has been classified as a Variant of Uncertain Significance.